The following is an entry in ClinVar:

NM_177550.5(SLC13A5):c.1336G>C (p.Ala446Pro)

Gene: SLC13A5 (solute carrier family 13 member 5; minus strand). Cytogenetic location: 17p13.1.
Variant type: single nucleotide variant.
Coding change: c.1336G>C on transcript NM_177550.5 (MANE Select); coding-DNA position 1336, G replaced by C.
Protein change: p.Ala446Pro; replaces alanine 446 with proline.
Molecular consequence: missense variant.
Genome position (GRCh38, 1-based): chr17:6,690,880, C>G on the plus strand (G>C on the coding strand, the complement: SLC13A5 is on the minus strand). VCF-style: chr17-6690880-C-G. GRCh37 (hg19) VCF-style: chr17-6594199-C-G.
Other names: c.1336G>C, p.Ala446Pro (NM_001143838.3); c.1285G>C, p.Ala429Pro (NM_001284509.2); c.1207G>C, p.Ala403Pro (NM_001284510.2); short protein forms A446P, A403P, A429P.
Identifiers: ClinVar variation 541961 (VCV000541961.10), dbSNP rs1399161589, ClinGen allele CA397739892.
Genomic context (GRCh38, chr17:6,690,880, plus strand): 5'-CGTTGCTTGTGCACTCAGTGAACACGGCAACGAGCAAGGACAAGATCAAGGTGATGGCTG[C>G]CGGGGGCACTGCGTGCAAGGGCTCCATCTGCTTCCCCATCCACACGGACAGCCCCGAGGC-3'
Protein context (NP_808218.1, residues 436-456): QMEPLHAVPP[Ala446Pro]AITLILSLLV

ClinVar aggregate classification (germline): Uncertain significance (1 of 4 stars; one submission).

Conditions:
Developmental and epileptic encephalopathy, 25 (DEE25). Also called: Epileptic encephalopathy, early infantile, 25; Developmental and epileptic encephalopathy 25, with amelogenesis imperfecta; Epileptic encephalopathy, early infantile, 25, with amelogenesis imperfecta. Identifiers: Orphanet 442835, MedGen C4014621, MONDO:0014392, OMIM 615905.

Allele frequency attached by ClinVar (database versions not stated): TOPMed 0.00001; gnomAD exomes below 0.00001; gnomAD 0.00001.

Submission:

Labcorp Genetics (formerly Invitae), Labcorp
Classification: Uncertain significance for Developmental and epileptic encephalopathy, 25. Last evaluated: 2018-11-08. Review status: criteria provided, single submitter. Criteria: Invitae Variant Classification Sherloc (09022015). Collection method: clinical testing. Allele origin: germline.
Comment: In summary, the available evidence is currently insufficient to determine the role of this variant in disease. Therefore, it has been classified as a Variant of Uncertain Significance. This variant has not been reported in the literature in individuals with SLC13A5-related disease. Algorithms developed to predict the effect of missense changes on protein structure and function output the following: SIFT: "Tolerated"; PolyPhen-2: "Benign"; Align-GVGD: "Class C0". The proline amino acid residue is found in multiple mammalian species, suggesting that this missense change does not adversely affect protein function. These predictions have not been confirmed by published functional studies and their clinical significance is uncertain. This variant is not present in population databases (ExAC no frequency). This sequence change replaces alanine with proline at codon 446 of the SLC13A5 protein (p.Ala446Pro). The alanine residue is weakly conserved and there is a small physicochemical difference between alanine and proline.